The following is an entry in ClinVar:

NC_000001.10:g.(?_235543365)_(235612077_?)del

Genes: B3GALNT2 (beta-1,3-N-acetylgalactosaminyltransferase 2; minus strand), TBCE (tubulin folding cofactor E; plus strand). Cytogenetic location: 1q42.3.
Variant type: Deletion.
Identifiers: ClinVar variation 3247948 (VCV003247948.1).

ClinVar aggregate classification (germline): Pathogenic (1 of 4 stars; one submission).

Submission:

Labcorp Genetics (formerly Invitae), Labcorp
Classification: Pathogenic. Last evaluated: 2023-05-12. Review status: criteria provided, single submitter. Criteria: Invitae Variant Classification Sherloc (09022015). Collection method: clinical testing. Allele origin: unknown.
Comment: For these reasons, this variant has been classified as Pathogenic. This variant has not been reported in the literature in individuals affected with TBCE-related conditions. A gross deletion of the genomic region encompassing the full coding sequence of the TBCE gene has been identified. Loss-of-function variants in TBCE are known to be pathogenic (PMID: 27666369, 34134906, 34356170). The boundaries of this event are unknown as they extend beyond the assayed region for this gene and therefore may encompass additional genes.

Literature cited by the submitters: PubMed 27666369; PubMed 34134906; PubMed 34356170.